The following is an entry in ClinVar:

ClinVar aggregate classification (germline): Pathogenic/Likely pathogenic. Review status: criteria provided, multiple submitters, no conflicts (2 of 4 stars). 10 submissions from 10 submitters: Pathogenic (5); Likely pathogenic (4). 1 of the submissions does not count toward it. Last evaluated 2025-11-03.

Conditions:
Neurofibromatosis, type 1 (NF1). Also called: VON RECKLINGHAUSEN DISEASE; NEUROFIBROMATOSIS, TYPE I, SOMATIC; Peripheral type neurofibromatosis; Neurofibromatosis, type I. Identifiers: Orphanet 636, MedGen C0027831, MONDO:0018975, OMIM 162200. Disease mechanism: loss of function.
NF1-related disorder. Also called: NF1-related condition. Identifiers: MedGen CN379171.
Cardiovascular phenotype. Identifiers: MedGen CN230736.
Hereditary cancer-predisposing syndrome. Also called: Neoplastic Syndromes, Hereditary; Hereditary Cancer Syndrome; Tumor predisposition; Hereditary neoplastic syndrome. Identifiers: Orphanet 140162, MedGen C0027672, MeSH D009386, MONDO:0015356.

Allele frequency attached by ClinVar (database versions not stated): TOPMed below 0.00001; gnomAD 0.00001.
gnomAD v4.1: 1 of 1,613,716 alleles (0.000062%); highest among the groups gnomAD compares: Non-Finnish European, 0.000085%; no homozygotes.

Submissions (10):

Labcorp Genetics (formerly Invitae), Labcorp
Classification: Pathogenic for Neurofibromatosis, type 1. Last evaluated: 2025-11-03. Review status: criteria provided, single submitter. Criteria: Invitae Variant Classification Sherloc (09022015). Collection method: clinical testing. Allele origin: germline.
Comment: This sequence change replaces tryptophan, which is neutral and slightly polar, with arginine, which is basic and polar, at codon 784 of the NF1 protein (p.Trp784Arg). This variant is not present in population databases (gnomAD no frequency). This missense change has been observed in individual(s) with neurofibromatosis type I (PMID: 11857752, 12807981, 15146469, 24789688). In at least one individual the variant was observed to be de novo. Invitae Evidence Modeling of clinical and family history, age, sex, and reported ancestry of multiple individuals with this NF1 variant has been performed. This variant is expected to be pathogenic with a positive predictive value of at least 99%. This is a validated machine learning model that incorporates the clinical features of 1,785,918 individuals referred to our laboratory for NF1 testing. ClinVar contains an entry for this variant (Variation ID: 68318). Invitae Evidence Modeling of protein sequence and biophysical properties (such as structural, functional, and spatial information, amino acid conservation, physicochemical variation, residue mobility, and thermodynamic stability) indicates that this missense variant is expected to disrupt NF1 protein function with a positive predictive value of 95%. For these reasons, this variant has been classified as Pathogenic.

Ambry Genetics
Classification: Likely pathogenic for Cardiovascular phenotype; Hereditary cancer-predisposing syndrome. Last evaluated: 2025-09-11. Review status: criteria provided, single submitter. Criteria: Ambry Variant Classification Scheme 2023. Collection method: clinical testing. Allele origin: germline.
Comment: The p.W784R variant (also known as c.2350T>C), located in coding exon 20 of the NF1 gene, results from a T to C substitution at nucleotide position 2350. The tryptophan at codon 784 is replaced by arginine, an amino acid with dissimilar properties. This variant was reported in individual(s) with features consistent with neurofibromatosis type 1 (Kluwe L et al. Hum Mutat. 2002 Mar;19:309; Ars E et al. J Med Genet. 2003 Jun;40:e82; Xu W et al. Int J Mol Med. 2014 Jul;34:53-60; Kang E et al. J Hum Genet. 2020 Jan;65:79-89; Castellanos E et al. Clin Genet. 2020 Feb;97:264-275; Ambry internal data). This amino acid position is highly conserved in available vertebrate species. This variant is considered to be rare based on population cohorts in the Genome Aggregation Database (gnomAD). In addition, this alteration is predicted to be deleterious by in silico analysis. Based on the majority of available evidence to date, this variant is likely to be pathogenic.

NHS Central & South Genomic Laboratory Hub
Classification: Pathogenic for Neurofibromatosis type 1. Last evaluated: 2024-11-11. Review status: criteria provided, single submitter. Criteria: ACMG Guidelines, 2015. Collection method: clinical testing. Allele origin: germline. Affected: yes.

Division of Genetic & Genomic Pathology, Hong Kong Children's Hospital
Classification: Likely pathogenic for Neurofibromatosis, type 1. Last evaluated: 2024-07-18. Review status: criteria provided, single submitter. Criteria: ACMG Guidelines, 2015. Collection method: clinical testing. Allele origin: germline. Affected: yes.
Comment: The missense variant c.2350T>C p.(Trp784Arg) is located in exon 20 of the NF1 gene. This variant is observed among control populations at an extremely low allele frequency (gnomAD v4.1.0: total 1/1613716 alleles in all populations). It was reported in multiple clinical NF1 patients (PMID: 11857752, 18484666, 31776437). This variant and four other missense variants of the same codon, c.2350T>G p.(Trp784Gly), c.2350T>A p.(Trp784Arg), c.2352G>T p.(Trp784Cys) and c.2352G>C p.(Trp784Cys), have been deposited as likely pathogenic or pathogenic in ClinVar (Accession: VCV002419121.4, VCV000996401.3, VCV001790036.2 and VCV000068319.6). For these reasons, NF1 c.2350T>C p.(Trp784Arg) is classified as likely pathogenic.

Blueprint Genetics
Classification: Pathogenic for NF1-related disorders. Last evaluated: 2023-10-25. Review status: criteria provided, single submitter. Criteria: ACMG Guidelines, 2015. Collection method: clinical testing. Allele origin: germline. Affected: yes. Observed: 2 variant alleles.

Genome-Nilou Lab
Classification: Likely pathogenic for Neurofibromatosis, type 1. Last evaluated: 2022-03-15. Review status: criteria provided, single submitter. Criteria: ACMG Guidelines, 2015. Collection method: clinical testing. Allele origin: germline. Affected: no.

GeneDx
Classification: Likely pathogenic. Last evaluated: 2021-07-21. Review status: criteria provided, single submitter. Criteria: GeneDx Variant Classification Process June 2021. Collection method: clinical testing. Allele origin: germline. Affected: yes.
Comment: Not observed in large population cohorts (Lek 2016); In silico analysis supports that this missense variant has a deleterious effect on protein structure/function; This variant is associated with the following publications: (PMID: 25486365, 31776437, 27535533, 15146469, 12807981, 24789688, 18484666, 18546366, 11857752, 24803665)

Greenwood Genetic Center Diagnostic Laboratories, Greenwood Genetic Center
Classification: Pathogenic. Last evaluated: 2021-03-16. Review status: criteria provided, single submitter. Criteria: ACMG Guidelines, 2015. Collection method: clinical testing. Allele origin: germline. Affected: yes.
Comment: PS4, PP2, PP3, PM1, PM2, PM5, PM6

Genome Diagnostics Laboratory, The Hospital for Sick Children
Classification: Pathogenic for Neurofibromatosis, type 1. Last evaluated: 2020-10-26. Review status: criteria provided, single submitter. Criteria: ACMG Guidelines, 2015. Collection method: clinical testing. Allele origin: germline. Affected: yes.

UniProtKB/Swiss-Prot
No classification provided. Review status: no classification provided. Collection method: not provided. Allele origin: not provided. Not counted in ClinVar's aggregate classification.

Literature cited by the submitters: PubMed 11857752 (cited by 3 submitters); PubMed 12807981 (cited by Labcorp Genetics (formerly Invitae), Labcorp and Ambry Genetics); PubMed 15146469 (cited by Labcorp Genetics (formerly Invitae), Labcorp); PubMed 24789688 (cited by Labcorp Genetics (formerly Invitae), Labcorp and Ambry Genetics); PubMed 31573083 (cited by Ambry Genetics); PubMed 31776437 (cited by Ambry Genetics and Division of Genetic & Genomic Pathology, Hong Kong Children's Hospital); PubMed 18484666 (cited by Division of Genetic & Genomic Pathology, Hong Kong Children's Hospital).

NM_001042492.3(NF1):c.2350T>C (p.Trp784Arg)

Gene: NF1 (neurofibromin 1; plus strand). Cytogenetic location: 17q11.2.
Variant type: single nucleotide variant.
Coding change: c.2350T>C on transcript NM_001042492.3 (MANE Select); coding-DNA position 2350, T replaced by C.
Protein change: p.Trp784Arg; replaces tryptophan 784 with arginine.
Molecular consequence: missense variant.
Genome position (GRCh38, 1-based): chr17:31,227,547, T>C. VCF-style: chr17-31227547-T-C. GRCh37 (hg19) VCF-style: chr17-29554565-T-C.
Other names: c.2350T>C, p.Trp784Arg (NM_000267.4); short protein forms W784R.
Identifiers: ClinVar variation 68318 (VCV000068318.21), dbSNP rs199474730, ClinGen allele CA219457.
Genomic context (GRCh38, chr17:31,227,547, plus strand): 5'-TAAGTTGCTTTCAAGTGATAATTGCCTTCATTTTAGGCTTGGGAAGATACACATGCAAAA[T>C]GGGAACAAGCAACAAAGCTAATCCTTAACTATCCAAAAGCCAAAATGGAAGATGGCCAGG-3'
Protein context (NP_001035957.1, residues 774-794): TEAWEDTHAK[Trp784Arg]EQATKLILNY